The following is an entry in ClinVar:

ClinVar aggregate classification (germline): Benign/Likely benign. Review status: criteria provided, multiple submitters, no conflicts (2 of 4 stars). 4 submissions from 4 submitters: Benign (1); Likely benign (3). Last evaluated 2026-01-19.

Conditions:
Pheochromocytoma/paraganglioma syndrome 5. Also called: Paragangliomas 5; SDHA-Related Hereditary Paraganglioma-Pheochromocytoma Syndrome. Identifiers: Orphanet 29072, MedGen C3279992, MONDO:0013602, OMIM 614165.
Mitochondrial complex II deficiency, nuclear type 1. Also called: SUCCINATE CoQ REDUCTASE DEFICIENCY. Identifiers: Orphanet 3208, MedGen C5700310, MONDO:0100294, OMIM 252011.
Hereditary cancer-predisposing syndrome. Also called: Hereditary Cancer Syndrome; Hereditary neoplastic syndrome; Neoplastic Syndromes, Hereditary; Tumor predisposition. Identifiers: Orphanet 140162, MedGen C0027672, MeSH D009386, MONDO:0015356.

Allele frequency attached by ClinVar (database versions not stated): TOPMed below 0.00001.

Submissions (4):

Labcorp Genetics (formerly Invitae), Labcorp
Classification: Likely benign for Pheochromocytoma/paraganglioma syndrome 5; Mitochondrial complex II deficiency, nuclear type 1. Last evaluated: 2026-01-19. Review status: criteria provided, single submitter. Criteria: Invitae Variant Classification Sherloc (09022015). Collection method: clinical testing. Allele origin: germline.

Myriad Genetics, Inc.
Classification: Benign for Pheochromocytoma/paraganglioma syndrome 5. Last evaluated: 2025-03-10. Review status: criteria provided, single submitter. Criteria: Myriad Autosomal Dominant, Autosomal Recessive and X-Linked Classification Criteria (2023). Collection method: clinical testing. Allele origin: unknown.
Comment: This variant is considered benign. This variant is a silent/synonymous amino acid change and it is not expected to impact splicing.

Mayo Clinic Laboratories, Mayo Clinic
Classification: Likely benign. Last evaluated: 2024-12-26. Review status: criteria provided, single submitter. Criteria: ACMG Guidelines, 2015. Collection method: clinical testing. Allele origin: germline. Observed: 1 variant allele.
Comment: BP4, BP7

Ambry Genetics
Classification: Likely benign for Hereditary cancer-predisposing syndrome. Last evaluated: 2024-12-07. Review status: criteria provided, single submitter. Criteria: Ambry Variant Classification Scheme 2023. Collection method: clinical testing. Allele origin: germline.

NM_004168.4(SDHA):c.1620C>T (p.Ser540=)

Gene: SDHA (succinate dehydrogenase complex flavoprotein subunit A; plus strand). Cytogenetic location: 5p15.33.
Variant type: single nucleotide variant.
Coding change: c.1620C>T on transcript NM_004168.4 (MANE Select); coding-DNA position 1620, C replaced by T.
Protein change: p.Ser540=; no amino-acid change (serine 540 retained).
Molecular consequence: synonymous variant. On other transcripts: intron variant (1).
Genome position (GRCh38, 1-based): chr5:251,060, C>T. VCF-style: chr5-251060-C-T. GRCh37 (hg19) VCF-style: chr5-251175-C-T.
Other names: p.Ser540=; c.1620C>T (NM_004168.2); c.1476C>T, p.Ser492= (NM_001294332.2); c.1552-3333C>T (NM_001330758.2).
Identifiers: ClinVar variation 2040127 (VCV002040127.7), dbSNP rs1736791055, ClinGen allele CA442657295.